The following is an entry in ClinVar:

ClinVar aggregate classification (germline): Uncertain significance. Review status: criteria provided, multiple submitters, no conflicts (2 of 4 stars). 2 submissions from 2 submitters: Uncertain significance (2). Last evaluated 2024-11-28.

Conditions:
Hereditary cancer-predisposing syndrome. Also called: Tumor predisposition; Hereditary neoplastic syndrome; Neoplastic Syndromes, Hereditary; Hereditary Cancer Syndrome. Identifiers: Orphanet 140162, MedGen C0027672, MeSH D009386, MONDO:0015356.
Gorlin syndrome. Also called: Basal cell nevus syndrome; Nevoid Basal Cell Carcinoma Syndrome. Identifiers: Orphanet 377, MedGen C0004779, MONDO:0007187.

Submissions (2):

Ambry Genetics
Classification: Uncertain significance for Hereditary cancer-predisposing syndrome. Last evaluated: 2024-11-28. Review status: criteria provided, single submitter. Criteria: Ambry Variant Classification Scheme 2023. Collection method: clinical testing. Allele origin: germline.
Comment: The p.A75T variant (also known as c.223G>A), located in coding exon 2 of the PTCH1 gene, results from a G to A substitution at nucleotide position 223. The alanine at codon 75 is replaced by threonine, an amino acid with similar properties. This amino acid position is conserved. In addition, the in silico prediction for this alteration is inconclusive. Based on the available evidence, the clinical significance of this variant remains unclear.

Labcorp Genetics (formerly Invitae), Labcorp
Classification: Uncertain significance for Gorlin syndrome. Last evaluated: 2024-05-06. Review status: criteria provided, single submitter. Criteria: Invitae Variant Classification Sherloc (09022015). Collection method: clinical testing. Allele origin: germline.
Comment: This sequence change replaces alanine, which is neutral and non-polar, with threonine, which is neutral and polar, at codon 75 of the PTCH1 protein (p.Ala75Thr). This variant is not present in population databases (gnomAD no frequency). This variant has not been reported in the literature in individuals affected with PTCH1-related conditions. ClinVar contains an entry for this variant (Variation ID: 2030555). Advanced modeling of protein sequence and biophysical properties (such as structural, functional, and spatial information, amino acid conservation, physicochemical variation, residue mobility, and thermodynamic stability) performed at Invitae indicates that this missense variant is not expected to disrupt PTCH1 protein function with a negative predictive value of 95%. In summary, the available evidence is currently insufficient to determine the role of this variant in disease. Therefore, it has been classified as a Variant of Uncertain Significance.

NM_000264.5(PTCH1):c.223G>A (p.Ala75Thr)

Gene: PTCH1 (patched 1; minus strand). Cytogenetic location: 9q22.32.
Variant type: single nucleotide variant.
Coding change: c.223G>A on transcript NM_000264.5 (MANE Select); coding-DNA position 223, G replaced by A.
Protein change: p.Ala75Thr; replaces alanine 75 with threonine.
Molecular consequence: missense variant. On other transcripts: 5 prime UTR variant (4), non-coding transcript variant (1).
Genome position (GRCh38, 1-based): chr9:95,506,578, C>T on the plus strand (G>A on the coding strand, the complement: PTCH1 is on the minus strand). VCF-style: chr9-95506578-C-T. GRCh37 (hg19) VCF-style: chr9-98268860-C-T.
Other names: c.25G>A, p.Ala9Thr (NM_001083602.3, NM_001354919.2); c.220G>A, p.Ala74Thr (NM_001083603.3); c.-231G>A (NM_001083604.3, NM_001083605.3, NM_001083606.3 and 1 more transcripts); c.223G>A, p.Ala75Thr (NM_001354918.2); short protein forms A74T, A75T, A9T.
Identifiers: ClinVar variation 2030555 (VCV002030555.5), dbSNP rs2118881011, ClinGen allele CA374120696.
Genomic context (GRCh38, chr9:95,506,578, plus strand): 5'-GAATGTAACAACCCAGTTTAAATAAGAGTCTCTGAAACTTCGCTCTCAGCCACAGCGGCG[C>T]TTTCCGGCCAGTAGCCTTCCCCTGGGGACGAAGCAGAAGGGAGGAGTGAGCGCCGGGGAG-3'
Protein context (NP_000255.2, residues 65-85): ISKGKATGRK[Ala75Thr]PLWLRAKFQR